The following is an entry in ClinVar:

ClinVar aggregate classification (germline): Uncertain significance (1 of 4 stars; one submission).

Conditions:
Pfeiffer syndrome (ACS5). Also called: ACS V. Identifiers: Orphanet 710, MedGen C0220658, MONDO:0007043, OMIM 101600.
Hypogonadotropic hypogonadism 2 with or without anosmia (HH2). Also called: HYPOGONADOTROPIC HYPOGONADISM 2 WITHOUT ANOSMIA; FGFR1-Related GnRH Deficiency (Kallmann Syndrome 2); HYPOGONADOTROPIC HYPOGONADISM 2 WITH OR WITHOUT ANOSMIA, SUSCEPTIBILITY TO; HYPOGONADOTROPIC HYPOGONADISM 2 WITHOUT ANOSMIA, SUSCEPTIBILITY TO. Identifiers: Orphanet 478, MedGen C1563720, MONDO:0007844, OMIM 147950. Disease mechanism: loss of function.

gnomAD v4.1: 1 of 1,613,944 alleles (0.000062%); no homozygotes.

Submission:

Labcorp Genetics (formerly Invitae), Labcorp
Classification: Uncertain significance for Pfeiffer syndrome; Hypogonadotropic hypogonadism 2 with or without anosmia. Last evaluated: 2021-09-05. Review status: criteria provided, single submitter. Criteria: Invitae Variant Classification Sherloc (09022015). Collection method: clinical testing. Allele origin: germline.
Comment: Algorithms developed to predict the effect of missense changes on protein structure and function are either unavailable or do not agree on the potential impact of this missense change (SIFT: "Deleterious"; PolyPhen-2: "Possibly Damaging"; Align-GVGD: "Class C0"). In summary, the available evidence is currently insufficient to determine the role of this variant in disease. Therefore, it has been classified as a Variant of Uncertain Significance. This variant has not been reported in the literature in individuals affected with FGFR1-related conditions. This variant is not present in population databases (ExAC no frequency). This sequence change replaces isoleucine with phenylalanine at codon 676 of the FGFR1 protein (p.Ile676Phe). The isoleucine residue is highly conserved and there is a small physicochemical difference between isoleucine and phenylalanine.

NM_023110.3(FGFR1):c.2026A>T (p.Ile676Phe)

Gene: FGFR1 (fibroblast growth factor receptor 1; minus strand). Cytogenetic location: 8p11.23.
Variant type: single nucleotide variant.
Coding change: c.2026A>T on transcript NM_023110.3 (MANE Select); coding-DNA position 2026, A replaced by T.
Protein change: p.Ile676Phe; replaces isoleucine 676 with phenylalanine.
Molecular consequence: missense variant.
Genome position (GRCh38, 1-based): chr8:38,414,581, T>A on the plus strand (A>T on the coding strand, the complement: FGFR1 is on the minus strand). VCF-style: chr8-38414581-T-A. GRCh37 (hg19) VCF-style: chr8-38272099-T-A.
Other names: c.2020A>T, p.Ile674Phe (NM_001174063.2, NM_001174065.2, NM_001354367.2 and 1 more transcripts); c.1996A>T, p.Ile666Phe (NM_001174064.2); c.1759A>T, p.Ile587Phe (NM_001174066.2, NM_023105.3); c.2119A>T, p.Ile707Phe (NM_001174067.2); c.1747A>T, p.Ile583Phe (NM_001354368.2); c.2014A>T, p.Ile672Phe (NM_001354369.2); c.1753A>T, p.Ile585Phe (NM_001354370.2, NM_023106.3); short protein forms I672F, I585F, I676F, I707F, I583F, I587F, I666F, I674F.
Identifiers: ClinVar variation 1448731 (VCV001448731.8), dbSNP rs2150549553, ClinGen allele CA370729498.